The following is an entry in ClinVar:

ClinVar aggregate classification (germline): Uncertain significance (1 of 4 stars; one submission).

Conditions:
Familial cancer of breast. Also called: hereditary breast carcinoma; Hereditary breast cancer; BREAST CANCER, FAMILIAL. Identifiers: Orphanet 227535, MedGen C0346153, MONDO:0016419, OMIM 114480. Disease mechanism: loss of function.

Submission:

Labcorp Genetics (formerly Invitae), Labcorp
Classification: Uncertain significance for Familial cancer of breast. Last evaluated: 2022-08-05. Review status: criteria provided, single submitter. Criteria: Invitae Variant Classification Sherloc (09022015). Collection method: clinical testing. Allele origin: germline.
Comment: In summary, the available evidence is currently insufficient to determine the role of this variant in disease. Therefore, it has been classified as a Variant of Uncertain Significance. Algorithms developed to predict the effect of missense changes on protein structure and function output the following: SIFT: "Tolerated"; PolyPhen-2: "Benign"; Align-GVGD: "Class C0". The glycine amino acid residue is found in multiple mammalian species, which suggests that this missense change does not adversely affect protein function. This variant has not been reported in the literature in individuals affected with BARD1-related conditions. This variant is not present in population databases (gnomAD no frequency). This sequence change replaces aspartic acid, which is acidic and polar, with glycine, which is neutral and non-polar, at codon 612 of the BARD1 protein (p.Asp612Gly).

NM_000465.4(BARD1):c.1835A>G (p.Asp612Gly)

Gene: BARD1 (BRCA1 associated RING domain 1; minus strand). Cytogenetic location: 2q35.
Variant type: single nucleotide variant.
Coding change: c.1835A>G on transcript NM_000465.4 (MANE Select); coding-DNA position 1835, A replaced by G.
Protein change: p.Asp612Gly; replaces aspartic acid 612 with glycine.
Molecular consequence: missense variant. On other transcripts: non-coding transcript variant (3), intron variant (1).
Genome position (GRCh38, 1-based): chr2:214,745,135, T>C on the plus strand (A>G on the coding strand, the complement: BARD1 is on the minus strand). VCF-style: chr2-214745135-T-C. GRCh37 (hg19) VCF-style: chr2-215609859-T-C.
Other names: c.1778A>G, p.Asp593Gly (NM_001282543.2); c.482A>G, p.Asp161Gly (NM_001282545.2); c.425A>G, p.Asp142Gly (NM_001282548.2); c.365-14627A>G (NM_001282549.2); short protein forms D593G, D612G, D142G, D161G.
Identifiers: ClinVar variation 2067612 (VCV002067612.4), dbSNP rs201140528, ClinGen allele CA350452270.